The following is an entry in ClinVar:

ClinVar aggregate classification (germline): Likely pathogenic (1 of 4 stars; one submission).

Submission:

Labcorp Genetics (formerly Invitae), Labcorp
Classification: Likely pathogenic. Last evaluated: 2023-02-23. Review status: criteria provided, single submitter. Criteria: Invitae Variant Classification Sherloc (09022015). Collection method: clinical testing. Allele origin: germline.
Comment: In summary, the currently available evidence indicates that the variant is pathogenic, but additional data are needed to prove that conclusively. Therefore, this variant has been classified as Likely Pathogenic. This variant has not been reported in the literature in individuals affected with SLC5A5-related conditions. This variant is not present in population databases (gnomAD no frequency). This sequence change affects a donor splice site in intron 7 of the SLC5A5 gene. It is expected to disrupt RNA splicing. Variants that disrupt the donor or acceptor splice site typically lead to a loss of protein function (PMID: 16199547), and loss-of-function variants in SLC5A5 are known to be pathogenic (PMID: 9388506, 9486973).

Literature cited by the submitters: PubMed 16199547; PubMed 9388506; PubMed 9486973.

NM_000453.3(SLC5A5):c.969+2T>C

Gene: SLC5A5 (solute carrier family 5 member 5; plus strand). Cytogenetic location: 19p13.11.
Variant type: single nucleotide variant.
Coding change: c.969+2T>C on transcript NM_000453.3 (MANE Select); the canonical splice donor site of the intron after coding-DNA position 969, T replaced by C.
Molecular consequence: splice donor variant.
Genome position (GRCh38, 1-based): chr19:17,878,095, T>C. VCF-style: chr19-17878095-T-C. GRCh37 (hg19) VCF-style: chr19-17988904-T-C.
Identifiers: ClinVar variation 2840212 (VCV002840212.3), dbSNP rs2514625219, ClinGen allele CA404784524.